The following is an entry in ClinVar:

NM_000744.7(CHRNA4):c.147C>G (p.Asn49Lys)

Gene: CHRNA4 (cholinergic receptor nicotinic alpha 4 subunit; minus strand). Cytogenetic location: 20q13.33.
Variant type: single nucleotide variant.
Coding change: c.147C>G on transcript NM_000744.7 (MANE Select); coding-DNA position 147, C replaced by G.
Protein change: p.Asn49Lys; replaces asparagine 49 with lysine.
Molecular consequence: missense variant. On other transcripts: 5 prime UTR variant (1), non-coding transcript variant (1).
Genome position (GRCh38, 1-based): chr20:63,359,629, G>C on the plus strand (C>G on the coding strand, the complement: CHRNA4 is on the minus strand). VCF-style: chr20-63359629-G-C. GRCh37 (hg19) VCF-style: chr20-61990981-G-C.
Other names: c.147C>G (NM_000744.5); c.-400C>G (NM_001256573.2); short protein forms N49K.
Identifiers: ClinVar variation 2192354 (VCV002192354.7), dbSNP rs201484306, ClinGen allele CA409643650.

ClinVar aggregate classification (germline): Uncertain significance. Review status: criteria provided, multiple submitters, no conflicts (2 of 4 stars). 3 submissions from 3 submitters: Uncertain significance (3). Last evaluated 2025-09-16.

Conditions:
Familial sleep-related hypermotor epilepsy. Also called: Autosomal Dominant Sleep-Related Hypermotor (Hyperkinetic) Epilepsy. Identifiers: Orphanet 98784, MedGen C3696898, MONDO:0000030.

Allele frequency attached by ClinVar (database versions not stated): gnomAD 0.00001.
gnomAD v4.1: 8 of 1,612,484 alleles (0.0005%); highest among the groups gnomAD compares: Non-Finnish European, 0.00059%; no homozygotes.

Submissions (3):

Dasa
Classification: Uncertain significance. Last evaluated: 2025-09-16. Review status: criteria provided, single submitter. Criteria: DASA Assertion Criteria. Collection method: clinical testing. Allele origin: germline.
Comment: NM_000744.7(CHRNA4):c.147C>G (p.Asn49Lys) is a missense variant that results in the substitution of asparagine with lysine. This variant is rare in population databases. The currently available literature and clinical evidence are not sufficient to establish a definitive association between this variant and the reported condition. Therefore, this variant is classified as a variant of uncertain significance.

GeneDx
Classification: Uncertain significance. Last evaluated: 2024-05-17. Review status: criteria provided, single submitter. Criteria: GeneDx Variant Classification Process June 2021. Collection method: clinical testing. Allele origin: germline. Affected: yes.
Comment: Not observed at significant frequency in large population cohorts (gnomAD); In silico analysis supports that this missense variant has a deleterious effect on protein structure/function; Has not been previously published as pathogenic or benign to our knowledge

Labcorp Genetics (formerly Invitae), Labcorp
Classification: Uncertain significance. Last evaluated: 2022-07-25. Review status: criteria provided, single submitter. Criteria: Invitae Variant Classification Sherloc (09022015). Collection method: clinical testing. Allele origin: germline.
Comment: Algorithms developed to predict the effect of sequence changes on RNA splicing suggest that this variant may create or strengthen a splice site. Algorithms developed to predict the effect of missense changes on protein structure and function are either unavailable or do not agree on the potential impact of this missense change (SIFT: "Deleterious"; PolyPhen-2: "Probably Damaging"; Align-GVGD: "Class C0"). This variant has not been reported in the literature in individuals affected with CHRNA4-related conditions. This variant is not present in population databases (gnomAD no frequency). This sequence change replaces asparagine, which is neutral and polar, with lysine, which is basic and polar, at codon 49 of the CHRNA4 protein (p.Asn49Lys). In summary, the available evidence is currently insufficient to determine the role of this variant in disease. Therefore, it has been classified as a Variant of Uncertain Significance.